The following is an entry in ClinVar:

NM_000370.3(TTPA):c.160C>T (p.Arg54Trp)

Gene: TTPA (alpha tocopherol transfer protein; minus strand). Cytogenetic location: 8q12.3.
Variant type: single nucleotide variant.
Coding change: c.160C>T on transcript NM_000370.3 (MANE Select); coding-DNA position 160, C replaced by T.
Protein change: p.Arg54Trp; replaces arginine 54 with tryptophan.
Molecular consequence: missense variant.
Genome position (GRCh38, 1-based): chr8:63,085,862, G>A on the plus strand (C>T on the coding strand, the complement: TTPA is on the minus strand). VCF-style: chr8-63085862-G-A. GRCh37 (hg19) VCF-style: chr8-63998421-G-A.
Other names: short protein forms R54W.
Identifiers: ClinVar variation 1506050 (VCV001506050.6), dbSNP rs1258034747, ClinGen allele CA371403435.

ClinVar aggregate classification (germline): Uncertain significance (1 of 4 stars; one submission).

Submission:

Labcorp Genetics (formerly Invitae), Labcorp
Classification: Uncertain significance. Last evaluated: 2024-08-30. Review status: criteria provided, single submitter. Criteria: Invitae Variant Classification Sherloc (09022015). Collection method: clinical testing. Allele origin: germline.
Comment: This sequence change replaces arginine, which is basic and polar, with tryptophan, which is neutral and slightly polar, at codon 54 of the TTPA protein (p.Arg54Trp). This variant is not present in population databases (gnomAD no frequency). This variant has not been reported in the literature in individuals affected with TTPA-related conditions. ClinVar contains an entry for this variant (Variation ID: 1506050). Invitae Evidence Modeling of protein sequence and biophysical properties (such as structural, functional, and spatial information, amino acid conservation, physicochemical variation, residue mobility, and thermodynamic stability) indicates that this missense variant is expected to disrupt TTPA protein function with a positive predictive value of 80%. In summary, the available evidence is currently insufficient to determine the role of this variant in disease. Therefore, it has been classified as a Variant of Uncertain Significance.